The following is an entry in ClinVar:

NM_000548.5(TSC2):c.1862T>C (p.Leu621Pro)

Gene: TSC2 (TSC complex subunit 2; plus strand). Cytogenetic location: 16p13.3.
Variant type: single nucleotide variant.
Coding change: c.1862T>C on transcript NM_000548.5 (MANE Select); coding-DNA position 1862, T replaced by C.
Protein change: p.Leu621Pro; replaces leucine 621 with proline.
Molecular consequence: missense variant.
Genome position (GRCh38, 1-based): chr16:2,071,532, T>C. VCF-style: chr16-2071532-T-C. GRCh37 (hg19) VCF-style: chr16-2121533-T-C.
Other names: c.1862T>C, p.Leu621Pro (NM_001077183.3, NM_001114382.3, NM_001363528.2 and 3 more transcripts); c.1751T>C, p.Leu584Pro (NM_001318827.2); c.1715T>C, p.Leu572Pro (NM_001318829.2); c.1262T>C, p.Leu421Pro (NM_001318831.2); c.1895T>C, p.Leu632Pro (NM_001318832.2); short protein forms L621P, L584P, L632P, L421P, L572P.
Identifiers: ClinVar variation 64906 (VCV000064906.4), dbSNP rs397514927, ClinGen allele CA016080.

ClinVar aggregate classification (germline): Uncertain significance. Review status: criteria provided, single submitter (1 of 4 stars). 2 submissions from 2 submitters: Uncertain significance (1). 1 of the submissions does not count toward it. Last evaluated 2019-11-26.

Conditions:
Tuberous sclerosis syndrome (TSC). Also called: Tuberous Sclerosis Complex; Tuberous sclerosis. Identifiers: Orphanet 805, MedGen C0041341, MONDO:0001734.

Submissions (2):

GeneDx
Classification: Uncertain significance. Last evaluated: 2019-11-26. Review status: criteria provided, single submitter. Criteria: GeneDx Variant Classification Process June 2021. Collection method: clinical testing. Allele origin: germline. Affected: yes.
Comment: In silico analysis, which includes protein predictors and evolutionary conservation, supports a deleterious effect; Not observed in large population cohorts (Lek et al., 2016); This variant is associated with the following publications: (PMID: 18032745)

Tuberous sclerosis database (TSC2)
No classification provided. Condition: TSC. Review status: no classification provided. Criteria: Tuberous Sclerosis Database Assertion Criteria 2015. Collection method: curation. Allele origin: germline. Affected: yes. Not counted in ClinVar's aggregate classification.